The following is an entry in ClinVar:

NM_004168.4(SDHA):c.1205T>G (p.Val402Gly)

Gene: SDHA (succinate dehydrogenase complex flavoprotein subunit A; plus strand). Cytogenetic location: 5p15.33.
Variant type: single nucleotide variant.
Coding change: c.1205T>G on transcript NM_004168.4 (MANE Select); coding-DNA position 1205, T replaced by G.
Protein change: p.Val402Gly; replaces valine 402 with glycine.
Molecular consequence: missense variant.
Genome position (GRCh38, 1-based): chr5:235,284, T>G. VCF-style: chr5-235284-T-G. GRCh37 (hg19) VCF-style: chr5-235399-T-G.
Other names: c.1061T>G, p.Val354Gly (NM_001294332.2); c.1205T>G, p.Val402Gly (NM_001330758.2); short protein forms V354G, V402G.
Identifiers: ClinVar variation 1051398 (VCV001051398.9), dbSNP rs2126585353, ClinGen allele CA359013667.

ClinVar aggregate classification (germline): Uncertain significance (1 of 4 stars; one submission).

Conditions:
Mitochondrial complex II deficiency, nuclear type 1. Also called: SUCCINATE CoQ REDUCTASE DEFICIENCY. Identifiers: Orphanet 3208, MedGen C5700310, MONDO:0100294, OMIM 252011.
Pheochromocytoma/paraganglioma syndrome 5. Also called: Paragangliomas 5; SDHA-Related Hereditary Paraganglioma-Pheochromocytoma Syndrome. Identifiers: Orphanet 29072, MedGen C3279992, MONDO:0013602, OMIM 614165.

Submission:

Labcorp Genetics (formerly Invitae), Labcorp
Classification: Uncertain significance for Pheochromocytoma/paraganglioma syndrome 5; Mitochondrial complex II deficiency, nuclear type 1. Last evaluated: 2020-03-31. Review status: criteria provided, single submitter. Criteria: Invitae Variant Classification Sherloc (09022015). Collection method: clinical testing. Allele origin: germline.
Comment: In summary, the available evidence is currently insufficient to determine the role of this variant in disease. Therefore, it has been classified as a Variant of Uncertain Significance. Algorithms developed to predict the effect of missense changes on protein structure and function (SIFT, PolyPhen-2, Align-GVGD) all suggest that this variant is likely to be disruptive, but these predictions have not been confirmed by published functional studies and their clinical significance is uncertain. This variant has not been reported in the literature in individuals with SDHA-related conditions. This variant is not present in population databases (ExAC no frequency). This sequence change replaces valine with glycine at codon 402 of the SDHA protein (p.Val402Gly). The valine residue is highly conserved and there is a moderate physicochemical difference between valine and glycine.